The following is an entry in ClinVar:

ClinVar aggregate classification (germline): Likely pathogenic (1 of 4 stars; one submission).

Conditions:
Hereditary spastic paraplegia 4. Also called: Familial spastic paraplegia autosomal dominant 2; Spastic paraplegia 4, autosomal dominant; Spastic Paraplegia 4. Identifiers: Orphanet 100985, MedGen C1866855, MONDO:0008438, OMIM 182601.

Submission:

Institute of Human Genetics, University of Goettingen
Classification: Likely pathogenic for Hereditary spastic paraplegia 4. Last evaluated: 2021-07-02. Review status: criteria provided, single submitter. Criteria: ACMG Guidelines, 2015. Collection method: clinical testing. Allele origin: unknown. Inheritance: Autosomal dominant inheritance. Affected: yes. Observed: 1 variant allele, 1 heterozygote.
Comment: The variant c.314del (p.(Pro105Argfs*56)) in exon 1 of the SPAST gene is not found in the gnomAD database and creates a frame shift starting at codon Pro105. The new reading frame ends in a STOP codon at position 56. Frame shift mutations within this gene are a known mechanism of disease. This variant was found in one of our patients affected by spastic paraplegia. ACMG criteria used for classification: PVS1, PM2.

NM_014946.4(SPAST):c.314del (p.Pro105fs)

Gene: SPAST (spastin; plus strand). Cytogenetic location: 2p22.3.
Variant type: Deletion.
Coding change: c.314del on transcript NM_014946.4 (MANE Select); coding-DNA position 314, one base deleted (C; older notation c.314delC).
Protein change: p.Pro105fs; shifts the reading frame from proline 105.
Molecular consequence: frameshift variant.
Genome position (GRCh38, 1-based): chr2:32,064,145, C deleted; the last of 4 consecutive C bases (chr2:32,064,142-32,064,145); deleting any one gives the same sequence. VCF-style (leftmost placement, unchanged base first): chr2-32064141-GC-G. GRCh37 (hg19) VCF-style: chr2-32289210-GC-G.
Other names: c.314del, p.Pro105fs (NM_001363823.2, NM_001363875.2, NM_001377959.1 and 1 more transcripts); short protein forms P105fs.
Identifiers: ClinVar variation 1175308 (VCV001175308.3), dbSNP rs2148685718, ClinGen allele CA2499215889.